The following is an entry in ClinVar:

ClinVar aggregate classification (germline): Likely pathogenic. Review status: reviewed by expert panel (3 of 4 stars). 4 submissions from 4 submitters: Likely pathogenic (1). 3 of the submissions do not count toward it. Last evaluated 2025-05-15.

Conditions:
Hereditary cancer-predisposing syndrome. Also called: Hereditary neoplastic syndrome; Tumor predisposition; Neoplastic Syndromes, Hereditary; Hereditary Cancer Syndrome. Identifiers: Orphanet 140162, MedGen C0027672, MeSH D009386, MONDO:0015356.
Familial adenomatous polyposis 1 (FAP1). Also called: FAMILIAL ADENOMATOUS POLYPOSIS 1, ATTENUATED; POLYPOSIS, ADENOMATOUS INTESTINAL. Identifiers: MedGen C2713442, MONDO:0021056, OMIM 175100. Disease mechanism: loss of function.

Submissions (4):

ClinGen InSiGHT Hereditary Colorectal Cancer/Polyposis Variant Curation Expert Panel
Classification: Likely pathogenic for Familial adenomatous polyposis 1. Last evaluated: 2025-05-15. Review status: reviewed by expert panel. Criteria: ClinGen InSiGHT HCCP VCEP ACMG Specifications APC V1. Collection method: curation. Allele origin: germline. Inheritance: Autosomal dominant inheritance.
Comment: The NM_000038.6(APC):c.156del (p.Gly53GlufsTer17) variant in APC is a frameshift variant located between codon 49 and 2645 and predicted to cause a premature stop codon in exon 3 in a gene in which loss-of-function is an established disease mechanism (PVS1). The variant is absent from gnomAD v2.1.1 (PM2_Supporting). This variant has been reported in 1 proband meeting phenotypic criteria, resulting in a total phenotype score of 0.5 points (PS4 not met; internal data Labcorp Genetics [formerly Invitae]). In summary, this variant meets the criteria to be classified as Likely Pathogenic for autosomal-dominant inherited FAP based on the ACMG/AMP criteria applied, as specified by the ClinGen InSiGHT Hereditary Colorectal Cancer/Polyposis VCEP: PVS1 and PM2_Supporting (VCEP specifications version v2.1.0; date of approval 11/24/2023).

Labcorp Genetics (formerly Invitae), Labcorp
Classification: Pathogenic for Familial adenomatous polyposis 1. Last evaluated: 2025-06-22. Review status: criteria provided, single submitter. Criteria: Invitae Variant Classification Sherloc (09022015). Collection method: clinical testing. Allele origin: germline. Not counted in ClinVar's aggregate classification.
Comment: This sequence change creates a premature translational stop signal (p.Gly53Glufs*17) in the APC gene. It is expected to result in an absent or disrupted protein product. Loss-of-function variants in APC are known to be pathogenic (PMID: 17963004, 20685668). This variant is not present in population databases (gnomAD no frequency). This variant has not been reported in the literature in individuals affected with APC-related conditions. ClinVar contains an entry for this variant (Variation ID: 654864). For these reasons, this variant has been classified as Pathogenic.

Ambry Genetics
Classification: Pathogenic for Hereditary cancer-predisposing syndrome. Last evaluated: 2023-04-05. Review status: criteria provided, single submitter. Criteria: Ambry Variant Classification Scheme 2023. Collection method: clinical testing. Allele origin: germline. Not counted in ClinVar's aggregate classification.
Comment: The c.156delA pathogenic mutation, located in coding exon 2 of the APC gene, results from a deletion of one nucleotide at nucleotide position 156, causing a translational frameshift with a predicted alternate stop codon (p.G53Efs*17). Premature termination codons are typically deleterious in nature. This variant is considered to be rare based on population cohorts in the Genome Aggregation Database (gnomAD). As such, this alteration is classified as a disease-causing mutation. However, alterations that result in premature termination in coding exon 2 are associated with an attenuated phenotype and may have reduced penetrance compared to classic familial adenomatous polyposis syndrome. Clinical correlation is advised.

Department of Pathology and Laboratory Medicine, Sinai Health System
Classification: Uncertain significance. Review status: no assertion criteria provided. Collection method: clinical testing. Allele origin: unknown. Affected: yes. Observed: 1 variant allele. Study: The Canadian Open Genetics Repository (COGR). Not counted in ClinVar's aggregate classification.

Literature cited by the submitters: PubMed 17963004 (cited by Labcorp Genetics (formerly Invitae), Labcorp); PubMed 20685668 (cited by Labcorp Genetics (formerly Invitae), Labcorp).

NM_000038.6(APC):c.156del (p.Gly53fs)

Gene: APC (APC regulator of Wnt signaling pathway; plus strand). Cytogenetic location: 5q22.2.
Variant type: Deletion.
Coding change: c.156del on transcript NM_000038.6 (MANE Select); coding-DNA position 156, one base deleted (A; older notation c.156delA).
Protein change: p.Gly53fs; shifts the reading frame from glycine 53.
Molecular consequence: frameshift variant. On other transcripts: 5 prime UTR variant (4).
Genome position (GRCh38, 1-based): chr5:112,766,346, A deleted; the last of 2 consecutive A bases (chr5:112,766,345-112,766,346); deleting either gives the same sequence. VCF-style (leftmost placement, unchanged base first): chr5-112766344-CA-C. GRCh37 (hg19) VCF-style: chr5-112102041-CA-C.
Other names: NM_000038.6(APC):c.156del; p.Gly53fs; c.156del, p.Gly53fs (NM_001127510.3, NM_001354895.2, NM_001354896.2 and 2 more transcripts); c.186del, p.Gly63fs (NM_001127511.3, NM_001354897.2, NM_001354902.2); c.81del, p.Gly28fs (NM_001354898.2, NM_001354904.2); c.-22del (NM_001354900.2, NM_001354901.2, NM_001354905.2); c.-880del (NM_001354906.2); short protein forms G28fs, G53fs, G63fs.
Identifiers: ClinVar variation 654864 (VCV000654864.11), dbSNP rs1581160123, ClinGen allele CA915943441.